The following is an entry in ClinVar:

NM_002907.4(RECQL):c.775A>G (p.Asn259Asp)

Gene: RECQL (RecQ like helicase; minus strand). Cytogenetic location: 12p12.1.
Variant type: single nucleotide variant.
Coding change: c.775A>G on transcript NM_002907.4 (MANE Select); coding-DNA position 775, A replaced by G.
Protein change: p.Asn259Asp; replaces asparagine 259 with aspartic acid.
Molecular consequence: missense variant.
Genome position (GRCh38, 1-based): chr12:21,477,895, T>C on the plus strand (A>G on the coding strand, the complement: RECQL is on the minus strand). VCF-style: chr12-21477895-T-C. GRCh37 (hg19) VCF-style: chr12-21630829-T-C.
Other names: c.775A>G, p.Asn259Asp (NM_032941.3); short protein forms N259D.
Identifiers: ClinVar variation 2682073 (VCV002682073.1), dbSNP rs2540356606, ClinGen allele CA384124661.

ClinVar aggregate classification (germline): Uncertain significance (1 of 4 stars; one submission).

Submission:

Quest Diagnostics Nichols Institute San Juan Capistrano
Classification: Uncertain significance. Last evaluated: 2022-09-30. Review status: criteria provided, single submitter. Criteria: Quest Diagnostics criteria. Collection method: clinical testing. Allele origin: unknown.
Comment: This variant has not been reported in individuals with RECQL-related conditions in the published literature. It also has not been reported in large, multi-ethnic general populations. Analysis of this variant using bioinformatics tools for the prediction of the effect of amino acid changes on protein structure and function yielded predictions that this variant is benign. Based on the available information, we are unable to determine the clinical significance of this variant.